The following is an entry in ClinVar:

NM_004817.4(TJP2):c.2823C>T (p.Ala941=)

Gene: TJP2 (tight junction protein 2; plus strand). Cytogenetic location: 9q21.11.
Variant type: single nucleotide variant.
Coding change: c.2823C>T on transcript NM_004817.4 (MANE Select); coding-DNA position 2823, C replaced by T.
Protein change: p.Ala941=; no amino-acid change (alanine 941 retained).
Molecular consequence: synonymous variant. On other transcripts: intron variant (1).
Genome position (GRCh38, 1-based): chr9:69,248,167, C>T. VCF-style: chr9-69248167-C-T. GRCh37 (hg19) VCF-style: chr9-71863083-C-T.
Other names: c.2754C>T, p.Ala918= (NM_001170414.2, NM_001369871.1); c.2835C>T, p.Ala945= (NM_001170415.1, NM_001369874.1, NM_001369875.1); c.2916C>T, p.Ala972= (NM_001170416.2); c.2748C>T, p.Ala916= (NM_001369870.1); c.2823C>T, p.Ala941= (NM_001369872.1, NM_201629.3); c.2667+1377C>T (NM_001369873.1).
Identifiers: ClinVar variation 3031600 (VCV003031600.2), dbSNP rs758461548, ClinGen allele CA5073775.

ClinVar aggregate classification (germline): Likely benign (0 of 4 stars; one submission).

Conditions:
TJP2-related disorder. Also called: TJP2-related condition.

Allele frequency attached by ClinVar (database versions not stated): ExAC 0.00002.
gnomAD v4.1: 18 of 1,612,832 alleles (0.0011%); highest among the groups gnomAD compares: Admixed American, 0.0067%; no homozygotes.

Submission:

PreventionGenetics, part of Exact Sciences
Classification: Likely benign for TJP2-related condition. Last evaluated: 2022-11-21. Review status: no assertion criteria provided. Collection method: clinical testing. Allele origin: germline.
Comment: This variant is classified as likely benign based on ACMG/AMP sequence variant interpretation guidelines (Richards et al. 2015 PMID: 25741868, with internal and published modifications).